The following is an entry in ClinVar:

ClinVar aggregate classification (germline): Pathogenic/Likely pathogenic. Review status: criteria provided, multiple submitters, no conflicts (2 of 4 stars). 15 submissions from 15 submitters: Pathogenic (7); Likely pathogenic (7). 1 of the submissions does not count toward it. Last evaluated 2026-08-06.

Conditions:
MMACHC-related disorder. Also called: MMACHC-related condition.
Cobalamin C disease. Also called: Cobalamin-C methylmalonic acidemia and homocystinuria; Methylmalonic acidemia and homocystinuria cblC type; methylmalonic aciduria and homocystinuria type cblC; Methylmalonic aciduria and homocystinuria, Vitamin B12-responsive; Vitamin B12 metabolic defect with combined deficiency of methylmalonyl-CoA mutase and homocysteine:methyltetrahydrofolate methyltransferase; Methylmalonic aciduria with homocystinuria cblC type. Identifiers: Orphanet 26, Orphanet 79282, MedGen C1848561, MONDO:0010184, OMIM 277400.
Fetal anomalies with a likely genetic cause.
Hereditary neuropathy or pain disorder.

Allele frequency attached by ClinVar (database versions not stated): ExAC 0.00010; gnomAD exomes 0.00012 and 0.00030; gnomAD 0.00013 and 0.00014; TOPMed 0.00017.
gnomAD v4.1: 461 of 1,614,012 alleles (0.029%); highest among the groups gnomAD compares: Non-Finnish European, 0.037%; 1 homozygote.

Submissions (15):

NHS Central & South Genomic Laboratory Hub
Classification: Likely pathogenic for Hereditary neuropathy or pain disorder. Last evaluated: 2026-08-06. Review status: criteria provided, single submitter. Criteria: ACMG Guidelines, 2015. Collection method: clinical testing. Allele origin: germline. Affected: yes.

Genetics Laboratory, Great Ormond Street Hospital NHS Foundation Trust, North Thames Genomic Laboratory Hub
Classification: Likely pathogenic for Fetal anomalies with a likely genetic cause. Last evaluated: 2026-07-16. Review status: criteria provided, single submitter. Criteria: ACGS Best Practice Guidelines for Variant Classification in Rare Disease 2024 v1.2. Collection method: clinical testing. Allele origin: germline. Affected: yes.
Comment: PP3_supporting, PM5_supporting, PM3_strong

Natera, Inc.
Classification: Pathogenic for Methylmalonic aciduria and homocystinuria cblC type. Last evaluated: 2025-12-04. Review status: criteria provided, single submitter. Criteria: Natera Variant Classification Schema (03/2026). Collection method: clinical testing. Allele origin: germline.
Comment: The c.389A>G variant in MMACHC is a missense variant predicted to cause substitution of tyrosine to cysteine at amino acid 130. This variant is rare in the general population with a frequency below the threshold expected for the associated phenotype(s). This variant has been observed in one or more individuals affected with the associated recessive disease, as either homozygous or compound heterozygous with a second variant (PMID: 24210589, 30197982). Computational prediction algorithms indicate this variant is likely to affect gene or protein function. Given the available evidence, this variant is classified as Pathogenic.

Labcorp Genetics (formerly Invitae), Labcorp
Classification: Pathogenic for Cobalamin C disease. Last evaluated: 2025-09-12. Review status: criteria provided, single submitter. Criteria: Invitae Variant Classification Sherloc (09022015). Collection method: clinical testing. Allele origin: germline.
Comment: This sequence change replaces tyrosine, which is neutral and polar, with cysteine, which is neutral and slightly polar, at codon 130 of the MMACHC protein (p.Tyr130Cys). This variant is present in population databases (rs200094982, gnomAD 0.02%). This missense change has been observed in individual(s) with methylmalonic aciduria and homocystinuria (PMID: 19370762, 24210589; internal data). It has also been observed to segregate with disease in related individuals. ClinVar contains an entry for this variant (Variation ID: 297484). Invitae Evidence Modeling of protein sequence and biophysical properties (such as structural, functional, and spatial information, amino acid conservation, physicochemical variation, residue mobility, and thermodynamic stability) has been performed for this missense variant. However, the output from this modeling did not meet the statistical confidence thresholds required to predict the impact of this variant on MMACHC protein function. This variant disrupts the p.Tyr130 amino acid residue in MMACHC. Other variant(s) that disrupt this residue have been observed in individuals with MMACHC-related conditions (PMID: 16311595, 19370762), which suggests that this may be a clinically significant amino acid residue. For these reasons, this variant has been classified as Pathogenic.

Blueprint Genetics
Classification: Pathogenic for MMACHC-related disorders. Last evaluated: 2024-10-31. Review status: criteria provided, single submitter. Criteria: ACMG Guidelines, 2015. Collection method: clinical testing. Allele origin: germline. Affected: yes. Observed: 5 variant alleles.

Fulgent Genetics
Classification: Pathogenic for Cobalamin C disease. Last evaluated: 2024-02-06. Review status: criteria provided, single submitter. Criteria: ACMG Guidelines, 2015. Collection method: clinical testing. Allele origin: germline.

Victorian Clinical Genetics Services, Murdoch Childrens Research Institute
Classification: Pathogenic for Cobalamin C disease. Last evaluated: 2023-07-17. Review status: criteria provided, single submitter. Criteria: ACMG Guidelines, 2015. Collection method: clinical testing. Allele origin: germline. Inheritance: Autosomal recessive inheritance.
Comment: Based on the classification scheme VCGS_Germline_v1.3.4, this variant is classified as Pathogenic. Following criteria are met: 0102 - Loss of function is a known mechanism of disease in this gene and is associated with methylmalonic aciduria and homocystinuria, cblC type (MIM#277400). (I) 0106 - This gene is associated with autosomal recessive disease. (I) 0200 - Variant is predicted to result in a missense amino acid change from tyrosine to cysteine. (I) 0251 - This variant is heterozygous. (I) 0304 - Variant is present in gnomAD (v2) <0.01 for a recessive condition (33 heterozygotes, 0 homozygotes). (SP) 0309 - An alternative amino acid change at the same position has been observed in gnomAD (v2) (4 heterozygotes, 0 homozygotes). (I) 0501 - Missense variant consistently predicted to be damaging by multiple in silico tools or highly conserved with a major amino acid change. (SP) 0600 - Variant is located in the annotated methylmalonic aciduria and homocystinuria type C family domain (DECIPHER). (I) 0703 - Another missense variant comparable to the one identified in this case has moderate previous evidence for pathogenicity. This alternative change (p.(Tyr130His)) has been reported several times as likely pathogenic or pathogenic (ClinVar). (SP) 0801 - This variant has strong previous evidence of pathogenicity in unrelated individuals. This variant has been reported once as a VUS, but many times as likely pathogenic or pathogenic, and has been observed in multiple compound heterozygous individuals with cobalamin C deficiency (ClinVar, PMID: 30197982). (I) Legend: (SP) - Supporting pathogenic, (I) - Information, (SB) - Supporting benign

Eurofins-Biomnis
Classification: Likely pathogenic for Cobalamin C disease. Last evaluated: 2022-11-18. Review status: criteria provided, single submitter. Criteria: Accession Criteria ClinVar Biomnis. Collection method: clinical testing. Allele origin: biparental. Affected: yes. Observed: 1 homozygote.

PreventionGenetics, part of Exact Sciences
Classification: Pathogenic for MMACHC-related condition. Last evaluated: 2022-11-18. Review status: criteria provided, single submitter. Criteria: ACMG Guidelines, 2015. Collection method: clinical testing. Allele origin: germline.
Comment: The MMACHC c.389A>G variant is predicted to result in the amino acid substitution p.Tyr130Cys. This variant has previously been reported, in the heterozygous state with a second pathogenic MMACHC variant, in patients with both early and late-onset methylmalonic aciduria and homocystinuria, cblC type (Lerner-Ellis et al. 2009. PubMed ID: 19370762; Cornec-Le Gall et al. 2014. PubMed ID: 24210589; Lemoine et al. 2018. PubMed ID: 30197982; Higashimoto et al. 2020. PubMed ID: 32071835; Bourque et al. 2021. PubMed ID: 33473346). A different amino acid change affecting the same amino acid has also been reported in cblC patients (e.g., Lerner-Ellis et al. 2006. PubMed ID: 16311595). Based on the collective evidence, we classify this variant as pathogenic.

Women's Health and Genetics/Laboratory Corporation of America, LabCorp
Classification: Pathogenic for Cobalamin C disease. Last evaluated: 2022-03-25. Review status: criteria provided, single submitter. Criteria: LabCorp Variant Classification Summary - May 2015. Collection method: clinical testing. Allele origin: germline.
Comment: Variant summary: MMACHC c.389A>G (p.Tyr130Cys) results in a non-conservative amino acid change in the encoded protein sequence. Five of five in-silico tools predict a damaging effect of the variant on protein function. The variant allele was found at a frequency of 0.00012 in 249408 control chromosomes (gnomAD). This frequency is not higher than the estimated maximum expected for a pathogenic variant in MMACHC causing Methylmalonic Acidemia with Homocystinuria (0.0032), allowing no conclusion about variant significance. The variant, c.389A>G, has been reported in the literature in several compound heterozygous individuals affected with Methylmalonic Acidemia with Homocystinuria (e.g. Lerner-Ellis_2009, Cornec-LeGall_2014, Higashimoto_2020, Bourque_2021), including a family with three affected individuals (Higashimoto_2020). These data indicate that the variant is very likely to be associated with disease. To our knowledge, no experimental evidence demonstrating an impact on protein function has been reported. Six clinical diagnostic laboratories have submitted clinical-significance assessments for this variant to ClinVar after 2014, and classified the variant as pathogenic (n=1), likely pathogenic (n=4) or VUS (n=1). Based on the evidence outlined above, the variant was classified as pathogenic.

Mayo Clinic Laboratories, Mayo Clinic
Classification: Likely pathogenic. Last evaluated: 2021-12-20. Review status: criteria provided, single submitter. Criteria: ACMG Guidelines, 2015. Collection method: clinical testing. Allele origin: germline.
Comment: PP3, PM2_moderate, PM3_strong

Revvity Omics, Revvity
Classification: Likely pathogenic for Cobalamin C disease. Last evaluated: 2021-06-24. Review status: criteria provided, single submitter. Criteria: ACMG Guidelines, 2015. Collection method: clinical testing. Allele origin: germline.

GeneDx
Classification: Likely pathogenic. Last evaluated: 2020-12-02. Review status: criteria provided, single submitter. Criteria: GeneDx Variant Classification Process June 2021. Collection method: clinical testing. Allele origin: germline. Affected: yes.
Comment: In silico analysis, which includes protein predictors and evolutionary conservation, supports a deleterious effect; This variant is associated with the following publications: (PMID: 32481360, 32071835, 25398587, 30178268, 30197982, 19370762, 24210589)

Genetic Services Laboratory, University of Chicago
Classification: Likely pathogenic for Cobalamin C disease. Last evaluated: 2016-07-22. Review status: criteria provided, single submitter. Criteria: ACMG Guidelines, 2015. Collection method: clinical testing. Allele origin: germline. Affected: yes.

Molecular Genetics Laboratory, BC Children's and BC Women's Hospitals
Classification: Pathogenic for Cobalamin C disease. Last evaluated: 2025-06-10. Review status: no assertion criteria provided. Criteria: ACMG Guidelines, 2015. Collection method: clinical testing. Allele origin: unknown. Affected: yes. Not counted in ClinVar's aggregate classification.

Literature cited by the submitters: PubMed 24210589 (cited by 4 submitters); PubMed 30197982 (cited by 3 submitters); PubMed 19370762 (cited by 3 submitters); PubMed 16311595 (cited by Labcorp Genetics (formerly Invitae), Labcorp); PubMed 33473346 (cited by Women's Health and Genetics/Laboratory Corporation of America, LabCorp and Mayo Clinic Laboratories, Mayo Clinic); PubMed 32071835 (cited by Women's Health and Genetics/Laboratory Corporation of America, LabCorp and Mayo Clinic Laboratories, Mayo Clinic); PubMed 25398587 (cited by Mayo Clinic Laboratories, Mayo Clinic); PubMed 32481360 (cited by Mayo Clinic Laboratories, Mayo Clinic).

NM_015506.3(MMACHC):c.389A>G (p.Tyr130Cys)

Gene: MMACHC (metabolism of cobalamin associated C; plus strand). Cytogenetic location: 1p34.1.
Variant type: single nucleotide variant.
Coding change: c.389A>G on transcript NM_015506.3 (MANE Select); coding-DNA position 389, A replaced by G.
Protein change: p.Tyr130Cys; replaces tyrosine 130 with cysteine.
Molecular consequence: missense variant.
Genome position (GRCh38, 1-based): chr1:45,508,324, A>G. VCF-style: chr1-45508324-A-G. GRCh37 (hg19) VCF-style: chr1-45973996-A-G.
Other names: p.Tyr130Cys; c.218A>G, p.Tyr73Cys (NM_001330540.2); short protein forms Y130C, Y73C.
Identifiers: ClinVar variation 297484 (VCV000297484.41), dbSNP rs200094982, ClinGen allele CA827721.